The following is an entry in ClinVar:

ClinVar aggregate classification (germline): Likely benign. Review status: criteria provided, multiple submitters, no conflicts (2 of 4 stars). 2 submissions from 2 submitters: Likely benign (2). Last evaluated 2026-09-01.

Allele frequency attached by ClinVar (database versions not stated): ExAC 0.00006; gnomAD exomes 0.00007; ESP Exome Variant Server 0.00008; gnomAD 0.00009; TOPMed 0.00011.
gnomAD v4.1: 110 of 1,613,456 alleles (0.0068%); highest among the groups gnomAD compares: Admixed American, 0.027%; no homozygotes.

Submissions (2):

CeGaT Center for Human Genetics Tuebingen
Classification: Likely benign. Last evaluated: 2026-09-01. Review status: criteria provided, single submitter. Criteria: CeGaT Center For Human Genetics Tuebingen Variant Classification Criteria Version 2. Collection method: clinical testing. Allele origin: germline. Affected: yes. Observed: 1 variant allele.
Comment: COLEC11: BP4, BP7

Labcorp Genetics (formerly Invitae), Labcorp
Classification: Likely benign. Last evaluated: 2022-09-27. Review status: criteria provided, single submitter. Criteria: Invitae Variant Classification Sherloc (09022015). Collection method: clinical testing. Allele origin: germline.

NM_024027.5(COLEC11):c.492G>A (p.Ala164=)

Gene: COLEC11 (collectin subfamily member 11; plus strand). Cytogenetic location: 2p25.3.
Variant type: single nucleotide variant.
Coding change: c.492G>A on transcript NM_024027.5 (MANE Select); coding-DNA position 492, G replaced by A.
Protein change: p.Ala164=; no amino-acid change (alanine 164 retained).
Molecular consequence: synonymous variant. On other transcripts: non-coding transcript variant (1).
Genome position (GRCh38, 1-based): chr2:3,643,794, G>A. VCF-style: chr2-3643794-G-A. GRCh37 (hg19) VCF-style: chr2-3691384-G-A.
Other names: c.420G>A, p.Ala140= (NM_001255982.2, NM_001255983.2); c.348G>A, p.Ala116= (NM_001255984.2); c.534G>A, p.Ala178= (NM_001255985.1); c.414G>A, p.Ala138= (NM_001255986.1); c.342G>A, p.Ala114= (NM_001255987.1, NM_001255988.1); c.270G>A, p.Ala90= (NM_001255989.1); c.483G>A, p.Ala161= (NM_199235.3).
Identifiers: ClinVar variation 2154180 (VCV002154180.5), dbSNP rs138441935, ClinGen allele CA1517088.